The following is an entry in ClinVar:

ClinVar aggregate classification (germline): Uncertain significance (0 of 4 stars; one submission).

Conditions:
PLXNA4-related disorder. Also called: PLXNA4-related condition.

gnomAD v4.1: 9 of 1,614,046 alleles (0.00056%); highest among the groups gnomAD compares: Admixed American, 0.0017%; no homozygotes.

Submission:

PreventionGenetics, part of Exact Sciences
Classification: Uncertain significance for PLXNA4-related condition. Last evaluated: 2024-09-04. Review status: no assertion criteria provided. Collection method: clinical testing. Allele origin: germline.
Comment: The PLXNA4 c.145G>A variant is predicted to result in the amino acid substitution p.Glu49Lys. To our knowledge, this variant has not been reported in the literature. This variant is reported in 0.0097% of alleles in individuals of Ashkenazi Jewish descent in gnomAD. At this time, the clinical significance of this variant is uncertain due to the absence of conclusive functional and genetic evidence.

NM_020911.2(PLXNA4):c.145G>A (p.Glu49Lys)

Gene: PLXNA4 (plexin A4; minus strand). Cytogenetic location: 7q32.3.
Variant type: single nucleotide variant.
Coding change: c.145G>A on transcript NM_020911.2 (MANE Select); coding-DNA position 145, G replaced by A.
Protein change: p.Glu49Lys; replaces glutamic acid 49 with lysine.
Molecular consequence: missense variant.
Genome position (GRCh38, 1-based): chr7:132,508,549, C>T on the plus strand (G>A on the coding strand, the complement: PLXNA4 is on the minus strand). VCF-style: chr7-132508549-C-T. GRCh37 (hg19) VCF-style: chr7-132193308-C-T.
Other names: c.145G>A, p.Glu49Lys (NM_001105543.2, NM_001393897.1, NM_181775.4); short protein forms E49K.
Identifiers: ClinVar variation 3358489 (VCV003358489.1).